The following is an entry in ClinVar:

ClinVar aggregate classification (germline): Uncertain significance (1 of 4 stars; one submission).

Conditions:
TMPO-related disorder. Also called: TMPO-related condition.

Submission:

PreventionGenetics, part of Exact Sciences
Classification: Uncertain significance for TMPO-related condition. Last evaluated: 2022-12-09. Review status: criteria provided, single submitter. Criteria: ACMG Guidelines, 2015. Collection method: clinical testing. Allele origin: germline.
Comment: The TMPO c.1881T>A variant is predicted to result in premature protein termination (p.Tyr627*). To our knowledge, this variant has not been reported in the literature. This variant is reported in 0.0018% of alleles in individuals of European (Non-Finnish) descent in gnomAD. Few chain-terminating variants in TMPO are reported and loss of function has not been conclusively established as a mechanism for TMPO-associated disorders. At this time, the clinical significance of this variant is uncertain due to the absence of conclusive functional and genetic evidence.

NM_001032283.3(TMPO):c.565+2300T>A

Gene: TMPO (thymopoietin; plus strand). Cytogenetic location: 12q23.1.
Variant type: single nucleotide variant.
Coding change: c.565+2300T>A on transcript NM_001032283.3 (MANE Select); 2300 bases into the intron after coding-DNA position 565, T replaced by A.
Molecular consequence: intron variant. On other transcripts: nonsense (1).
Genome position (GRCh38, 1-based): chr12:98,534,138, T>A. VCF-style: chr12-98534138-T-A. GRCh37 (hg19) VCF-style: chr12-98927916-T-A.
Other names: c.1881T>A, p.Tyr627Ter (NM_003276.2); c.565+2300T>A (NM_001307975.2, NM_001032284.3); short protein forms Y627*.
Identifiers: ClinVar variation 2635365 (VCV002635365.1), dbSNP rs573799737, ClinGen allele CA6732509.